The following is an entry in ClinVar:

ClinVar aggregate classification (germline): Uncertain significance. Review status: criteria provided, multiple submitters, no conflicts (2 of 4 stars). 3 submissions from 2 submitters: Uncertain significance (3). Last evaluated 2023-11-03.

Conditions:
Microcephaly 6, primary, autosomal recessive. Identifiers: Orphanet 2512, MedGen C1842109, MONDO:0012029, OMIM 608393.
Seckel syndrome 4 (SCKL4). Identifiers: Orphanet 808, MedGen C3888212, MONDO:0013358, OMIM 613676.

Allele frequency attached by ClinVar (database versions not stated): gnomAD exomes 0.00009 and 0.00020; ExAC 0.00023; 1000 Genomes Project 30x 0.00078; 1000 Genomes Project 0.00080; gnomAD below 0.00001 and 0.00005; TOPMed 0.00001.
gnomAD v4.1: 142 of 1,614,190 alleles (0.0088%); highest among the groups gnomAD compares: South Asian, 0.14%; no homozygotes.

Submissions (3):

Labcorp Genetics (formerly Invitae), Labcorp
Classification: Uncertain significance. Last evaluated: 2023-11-03. Review status: criteria provided, single submitter. Criteria: Invitae Variant Classification Sherloc (09022015). Collection method: clinical testing. Allele origin: germline.
Comment: This sequence change replaces leucine, which is neutral and non-polar, with proline, which is neutral and non-polar, at codon 74 of the CENPJ protein (p.Leu74Pro). This variant is present in population databases (rs563391686, gnomAD 0.2%). This variant has not been reported in the literature in individuals affected with CENPJ-related conditions. ClinVar contains an entry for this variant (Variation ID: 882958). Advanced modeling of protein sequence and biophysical properties (such as structural, functional, and spatial information, amino acid conservation, physicochemical variation, residue mobility, and thermodynamic stability) performed at Invitae indicates that this missense variant is expected to disrupt CENPJ protein function with a positive predictive value of 80%. In summary, the available evidence is currently insufficient to determine the role of this variant in disease. Therefore, it has been classified as a Variant of Uncertain Significance.

Illumina Laboratory Services, Illumina
Classification: Uncertain significance for Microcephaly 6, primary, autosomal recessive. Last evaluated: 2018-01-13. Review status: criteria provided, single submitter. Criteria: ICSL Variant Classification Criteria 13 December 2019. Collection method: clinical testing. Allele origin: germline.

Illumina Laboratory Services, Illumina
Classification: Uncertain significance for Seckel syndrome 4. Last evaluated: 2018-01-13. Review status: criteria provided, single submitter. Criteria: ICSL Variant Classification Criteria 13 December 2019. Collection method: clinical testing. Allele origin: germline.

NM_018451.5(CPAP):c.221T>C (p.Leu74Pro)

Gene: CPAP (centrosome assembly and centriole elongation protein; minus strand). Cytogenetic location: 13q12.13.
Variant type: single nucleotide variant.
Coding change: c.221T>C on transcript NM_018451.5 (MANE Select); coding-DNA position 221, T replaced by C.
Protein change: p.Leu74Pro; replaces leucine 74 with proline.
Molecular consequence: missense variant. On other transcripts: non-coding transcript variant (2).
Genome position (GRCh38, 1-based): chr13:24,912,805, A>G on the plus strand (T>C on the coding strand, the complement: CPAP is on the minus strand). VCF-style: chr13-24912805-A-G. GRCh37 (hg19) VCF-style: chr13-25486943-A-G.
Other names: short protein forms L74P.
Identifiers: ClinVar variation 882958 (VCV000882958.6), dbSNP rs563391686, ClinGen allele CA6920055.
Genomic context (GRCh38, chr13:24,912,805, plus strand): 5'-TCAGATTTATCTGACTGTGGTTTGTAAGGGTTGTTTGACTCCAACTTCTGTTCTTCAAGA[A>G]GTGAATCTTCTTCATTTATAAAGCTGAAGCTATCAGAAAAATGTGTGCCTTTAATAGGAA-3'
Protein context (NP_060921.3, residues 64-84): SFSFINEEDS[Leu74Pro]LEEQKLESNN